The following is an entry in ClinVar:

ClinVar aggregate classification (germline): Pathogenic/Likely pathogenic. Review status: criteria provided, multiple submitters, no conflicts (2 of 4 stars). 3 submissions from 3 submitters: Pathogenic (1); Likely pathogenic (1). 1 of the submissions does not count toward it. Last evaluated 2024-06-05.

Conditions:
Autosomal recessive limb-girdle muscular dystrophy type 2A (LGMDR1). Also called: Limb-girdle muscular dystrophy, type 2A; Muscular dystrophy, limb-girdle, type 2A, Amish; Calpainopathy; LEYDEN-MOEBIUS MUSCULAR DYSTROPHY; MUSCULAR DYSTROPHY, PELVOFEMORAL. Identifiers: Orphanet 267, MedGen C1869123, MONDO:0009675, OMIM 253600. Disease mechanism: loss of function.
Muscular dystrophy, limb-girdle, autosomal dominant 4. Also called: MUSCULAR DYSTROPHY, LIMB-GIRDLE, TYPE 1I; Calpain-3-related limb-girdle muscular dystrophy D4. Identifiers: Orphanet 565909, MedGen C4748295, MONDO:0029133, OMIM 618129.

Submissions (3):

Labcorp Genetics (formerly Invitae), Labcorp
Classification: Pathogenic for Autosomal recessive limb-girdle muscular dystrophy type 2A. Last evaluated: 2024-06-05. Review status: criteria provided, single submitter. Criteria: Invitae Variant Classification Sherloc (09022015). Collection method: clinical testing. Allele origin: germline.
Comment: This sequence change creates a premature translational stop signal (p.Asp780*) in the CAPN3 gene. It is expected to result in an absent or disrupted protein product. Loss-of-function variants in CAPN3 are known to be pathogenic (PMID: 10330340, 15689361). This variant is present in population databases (no rsID available, gnomAD 0.01%). This variant has not been reported in the literature in individuals affected with CAPN3-related conditions. ClinVar contains an entry for this variant (Variation ID: 558697). Algorithms developed to predict the effect of sequence changes on RNA splicing suggest that this variant may disrupt the consensus splice site. For these reasons, this variant has been classified as Pathogenic.

Baylor Genetics
Classification: Likely pathogenic for Muscular dystrophy, limb-girdle, autosomal dominant 4. Last evaluated: 2024-01-16. Review status: criteria provided, single submitter. Criteria: ACMG Guidelines, 2015. Collection method: clinical testing. Allele origin: unknown.

Counsyl
Classification: Likely pathogenic for Autosomal recessive limb-girdle muscular dystrophy type 2A. Last evaluated: 2018-06-05. Review status: no assertion criteria provided. Collection method: clinical testing. Allele origin: unknown. Not counted in ClinVar's aggregate classification.

Literature cited by the submitters: PubMed 10330340 (cited by Labcorp Genetics (formerly Invitae), Labcorp); PubMed 15689361 (cited by Labcorp Genetics (formerly Invitae), Labcorp).

NM_000070.3(CAPN3):c.2337dup (p.Asp780Ter)

Gene: CAPN3 (calpain 3; plus strand). Cytogenetic location: 15q15.1.
Variant type: Duplication.
Coding change: c.2337dup on transcript NM_000070.3 (MANE Select); coding-DNA position 2337, one base duplicated (T; older notation c.2337dupT).
Protein change: p.Asp780Ter; replaces aspartic acid 780 with a stop codon.
Molecular consequence: nonsense.
Genome position (GRCh38, 1-based): chr15:42,410,957, T duplicated; the last of 3 consecutive T bases (chr15:42,410,955-42,410,957); duplicating any one gives the same sequence. VCF-style (leftmost placement, unchanged base first): chr15-42410954-C-CT. GRCh37 (hg19) VCF-style: chr15-42703152-C-CT.
Other names: c.2319dup, p.Asp774Ter (NM_024344.2); c.2061dup, p.Asp688Ter (NM_173087.2); c.801dup, p.Asp268Ter (NM_173088.2); c.342dup, p.Asp115Ter (NM_173089.2, NM_173090.2); c.2337dupT (NM_000070.2); short protein forms D115*, D268*, D774*, D780*, D688*.
Identifiers: ClinVar variation 558697 (VCV000558697.10), dbSNP rs1447774727, ClinGen allele CA617609464.